The following is an entry in ClinVar:

ClinVar aggregate classification (germline): Likely pathogenic (1 of 4 stars; one submission).

Conditions:
Neuromuscular disease caused by qualitative or quantitative defects of dysferlin. Also called: Dysferlinopathy; Qualitative or quantitative defects of dysferlin. Identifiers: Orphanet 207073, MedGen C2931687, MONDO:0016145.

Submission:

Labcorp Genetics (formerly Invitae), Labcorp
Classification: Likely pathogenic for Neuromuscular disease caused by qualitative or quantitative defects of dysferlin. Last evaluated: 2022-04-28. Review status: criteria provided, single submitter. Criteria: Invitae Variant Classification Sherloc (09022015). Collection method: clinical testing. Allele origin: germline.
Comment: This variant results in a copy number gain of the genomic region encompassing exon(s) 2-9 of the DYSF gene. While the exact position of this variant cannot be determined from the data, sub-genic copy number gains are generally in tandem (PMID: 25640679). This variant is predicted to be out-of-frame, and may result in an absent or disrupted protein product. Loss-of-function variants in DYSF are known to be pathogenic (PMID: 17698709, 20301480). This variant has not been reported in the literature in individuals affected with DYSF-related conditions. In summary, the currently available evidence indicates that the variant is pathogenic, but additional data are needed to prove that conclusively. Therefore, this variant has been classified as Likely Pathogenic.

Literature cited by the submitters: PubMed 25640679; PubMed 17698709; PubMed 20301480.

NC_000002.11:g.(?_71693963)_(71744179_?)dup

Gene: DYSF (dysferlin; plus strand). Cytogenetic location: 2p13.2.
Variant type: Duplication.
Identifiers: ClinVar variation 2424696 (VCV002424696.3).